The following is an entry in ClinVar:

ClinVar aggregate classification (germline): Uncertain significance (1 of 4 stars; one submission).

Conditions:
Stormorken syndrome (STRMK). Also called: THROMBOCYTOPATHY, ASPLENIA, AND MIOSIS. Identifiers: Orphanet 3204, MedGen C1861451, MONDO:0008497, OMIM 185070.
Combined immunodeficiency due to STIM1 deficiency. Also called: STIM1 DEFICIENCY; IMMUNODEFICIENCY 10. Identifiers: Orphanet 169090, Orphanet 317430, MedGen C2748557, MONDO:0013008, OMIM 612783.
Myopathy with tubular aggregates (TAM). Also called: Tubular Aggregate Myopathy. Identifiers: Orphanet 2593, MedGen C0410207, MONDO:0008051.

Allele frequency attached by ClinVar (database versions not stated): gnomAD exomes below 0.00001.
gnomAD v4.1: 1 of 1,613,572 alleles (0.000062%); highest among the groups gnomAD compares: Admixed American, 0.0017%; no homozygotes.

Submission:

Labcorp Genetics (formerly Invitae), Labcorp
Classification: Uncertain significance for Myopathy with tubular aggregates; Combined immunodeficiency due to STIM1 deficiency; Stormorken syndrome. Last evaluated: 2021-10-09. Review status: criteria provided, single submitter. Criteria: Invitae Variant Classification Sherloc (09022015). Collection method: clinical testing. Allele origin: germline.
Comment: In summary, the available evidence is currently insufficient to determine the role of this variant in disease. Therefore, it has been classified as a Variant of Uncertain Significance. Algorithms developed to predict the effect of sequence changes on RNA splicing suggest that this variant may disrupt the consensus splice site. This variant has not been reported in the literature in individuals affected with STIM1-related conditions. This variant is not present in population databases (ExAC no frequency). This sequence change affects codon 204 of the STIM1 mRNA. It is a 'silent' change, meaning that it does not change the encoded amino acid sequence of the STIM1 protein. It affects a nucleotide within the consensus splice site of the intron.

NM_001382567.1(STIM1):c.612C>T (p.Leu204=)

Gene: STIM1 (stromal interaction molecule 1; plus strand). Cytogenetic location: 11p15.4.
Variant type: single nucleotide variant.
Coding change: c.612C>T on transcript NM_001382567.1 (MANE Select); coding-DNA position 612, C replaced by T.
Protein change: p.Leu204=; no amino-acid change (leucine 204 retained).
Molecular consequence: synonymous variant. On other transcripts: non-coding transcript variant (3), intron variant (1).
Genome position (GRCh38, 1-based): chr11:4,059,395, C>T. VCF-style: chr11-4059395-C-T. GRCh37 (hg19) VCF-style: chr11-4080625-C-T.
Other names: c.612C>T, p.Leu204= (NM_001277961.3, NM_001277962.2, NM_001382568.1 and 2 more transcripts); c.390C>T, p.Leu130= (NM_001382566.1, NM_001382573.1, NM_001382574.1 and 5 more transcripts); c.477C>T, p.Leu159= (NM_001382569.1); c.132C>T, p.Leu44= (NM_001382571.1); c.123C>T, p.Leu41= (NM_001382580.1, NM_001382581.1); c.386-10631C>T (NM_001382570.1).
Identifiers: ClinVar variation 950288 (VCV000950288.8), dbSNP rs2094314742, ClinGen allele CA472802350.